The following is an entry in ClinVar:

ClinVar aggregate classification (germline): Uncertain significance (1 of 4 stars; one submission).

Submission:

Labcorp Genetics (formerly Invitae), Labcorp
Classification: Uncertain significance. Last evaluated: 2024-09-04. Review status: criteria provided, single submitter. Criteria: Invitae Variant Classification Sherloc (09022015). Collection method: clinical testing. Allele origin: germline.
Comment: This sequence change replaces arginine, which is basic and polar, with leucine, which is neutral and non-polar, at codon 701 of the DUOX2 protein (p.Arg701Leu). This variant is present in population databases (rs113400262, gnomAD 0.0009%). This variant has not been reported in the literature in individuals affected with DUOX2-related conditions. Invitae Evidence Modeling of protein sequence and biophysical properties (such as structural, functional, and spatial information, amino acid conservation, physicochemical variation, residue mobility, and thermodynamic stability) indicates that this missense variant is not expected to disrupt DUOX2 protein function with a negative predictive value of 80%. In summary, the available evidence is currently insufficient to determine the role of this variant in disease. Therefore, it has been classified as a Variant of Uncertain Significance.

NM_001363711.2(DUOX2):c.2102G>T (p.Arg701Leu)

Gene: DUOX2 (dual oxidase 2; minus strand). Cytogenetic location: 15q21.1.
Variant type: single nucleotide variant.
Coding change: c.2102G>T on transcript NM_001363711.2 (MANE Select); coding-DNA position 2102, G replaced by T.
Protein change: p.Arg701Leu; replaces arginine 701 with leucine.
Molecular consequence: missense variant.
Genome position (GRCh38, 1-based): chr15:45,106,171, C>A on the plus strand (G>T on the coding strand, the complement: DUOX2 is on the minus strand). VCF-style: chr15-45106171-C-A. GRCh37 (hg19) VCF-style: chr15-45398369-C-A.
Other names: c.2102G>T, p.Arg701Leu (NM_014080.5); short protein forms R701L.
Identifiers: ClinVar variation 3631035 (VCV003631035.2).